The following is an entry in ClinVar:

NM_183381.3(RNF13):c.13A>G (p.Ile5Val)

Gene: RNF13 (ring finger protein 13; plus strand). Cytogenetic location: 3q25.1.
Variant type: single nucleotide variant.
Coding change: c.13A>G on transcript NM_183381.3 (MANE Select); coding-DNA position 13, A replaced by G.
Protein change: p.Ile5Val; replaces isoleucine 5 with valine.
Molecular consequence: missense variant. On other transcripts: 5 prime UTR variant (4), non-coding transcript variant (1), intron variant (2).
Genome position (GRCh38, 1-based): chr3:149,846,039, A>G. VCF-style: chr3-149846039-A-G. GRCh37 (hg19) VCF-style: chr3-149563826-A-G.
Other names: c.13A>G, p.Ile5Val (NM_001378285.1, NM_001378286.1, NM_007282.4); c.-355A>G (NM_001378287.1, NM_001378288.1, NM_001378289.1 and 1 more transcripts); c.-253-6477A>G (NM_183383.2); c.-279-6477A>G (NM_001378291.1); short protein forms I5V.
Identifiers: ClinVar variation 4719562 (VCV004719562.1).
Genomic context (GRCh38, chr3:149,846,039, plus strand): 5'-AGCTCTCAGTTACTCACATCCTTGTCTTCCAGGTGATTTTACAACGAGATGCTGCTCTCC[A>G]TAGGGATGCTCATGCTGTCAGCCACACAAGTCTACACCATCTTGACTGTCCAGCTCTTTG-3'
Protein context (NP_899237.1, residues 1-15): MLLS[Ile5Val]GMLMLSATQV

ClinVar aggregate classification (germline): Uncertain significance (1 of 4 stars; one submission).

gnomAD v4.1: 2 of 1,611,126 alleles (0.00012%); highest among the groups gnomAD compares: South Asian, 0.0011%; no homozygotes.

Submission:

Labcorp Genetics (formerly Invitae), Labcorp
Classification: Uncertain significance. Last evaluated: 2025-05-14. Review status: criteria provided, single submitter. Criteria: Invitae Variant Classification Sherloc (09022015). Collection method: clinical testing. Allele origin: germline.
Comment: This sequence change replaces isoleucine, which is neutral and non-polar, with valine, which is neutral and non-polar, at codon 5 of the RNF13 protein (p.Ile5Val). This variant is present in population databases (rs755650714, gnomAD 0.003%). This variant has not been reported in the literature in individuals affected with RNF13-related conditions. An algorithm developed to predict the effect of missense changes on protein structure and function (PolyPhen-2) suggests that this variant is likely to be tolerated. In summary, the available evidence is currently insufficient to determine the role of this variant in disease. Therefore, it has been classified as a Variant of Uncertain Significance.